The following is an entry in ClinVar:

NM_000264.5(PTCH1):c.3539_3546dup (p.Glu1183fs)

Gene: PTCH1 (patched 1; minus strand). Cytogenetic location: 9q22.32.
Variant type: Duplication.
Coding change: c.3539_3546dup on transcript NM_000264.5 (MANE Select); coding-DNA positions 3539 to 3546, 8 bases duplicated (CATATCCT; older notation c.3539_3546dupCATATCCT).
Protein change: p.Glu1183fs; shifts the reading frame from glutamic acid 1183.
Molecular consequence: frameshift variant. On other transcripts: non-coding transcript variant (1).
Genome position (GRCh38, 1-based): chr9:95,449,844-95,449,851, AGGATATG duplicated on the plus strand (CATATCCT on the coding strand, the reverse complement: PTCH1 is on the minus strand). VCF-style (leftmost placement, unchanged base first): chr9-95449843-C-CAGGATATG. GRCh37 (hg19) VCF-style: chr9-98212125-C-CAGGATATG.
Other names: c.3086_3093dup, p.Glu1032fs (NM_001083607.3, NM_001083604.3, NM_001083605.3 and 1 more transcripts); c.3383_3390dup, p.Glu1131fs (NM_001354918.2); c.3341_3348dup, p.Glu1117fs (NM_001083602.3); c.3536_3543dup, p.Glu1182fs (NM_001083603.3); c.3539_3546dupCATATCCT (NM_000264.3); short protein forms E1032fs, E1183fs, E1131fs, E1182fs, E1117fs.
Identifiers: ClinVar variation 4146864 (VCV004146864.1).

ClinVar aggregate classification (germline): Pathogenic (1 of 4 stars; one submission).

Conditions:
Hereditary cancer-predisposing syndrome. Also called: Hereditary neoplastic syndrome; Neoplastic Syndromes, Hereditary; Tumor predisposition; Hereditary Cancer Syndrome. Identifiers: Orphanet 140162, MedGen C0027672, MeSH D009386, MONDO:0015356.

Submission:

Ambry Genetics
Classification: Pathogenic for Hereditary cancer-predisposing syndrome. Last evaluated: 2025-07-29. Review status: criteria provided, single submitter. Criteria: Ambry Variant Classification Scheme 2023. Collection method: clinical testing. Allele origin: germline.
Comment: The c.3539_3546dupCATATCCT pathogenic mutation, located in coding exon 21 of the PTCH1 gene, results from a duplication of CATATCCT at nucleotide position 3539, causing a translational frameshift with a predicted alternate stop codon (p.E1183Hfs*11). This variant was reported in individual(s) with features consistent with PTCH1-related nevoid basal cell carcinoma syndrome (Ambry internal data). This variant is considered to be rare based on population cohorts in the Genome Aggregation Database (gnomAD). This alteration is expected to result in loss of function by premature protein truncation or nonsense-mediated mRNA decay. As such, this alteration is interpreted as a disease-causing mutation.